The following is an entry in ClinVar:

NM_020949.3(SLC7A14):c.644A>G (p.Asn215Ser)

Genes: SLC7A14 (solute carrier family 7 member 14; minus strand), SLC7A14-AS1 (SLC7A14 antisense RNA 1; plus strand). Cytogenetic location: 3q26.2.
Variant type: single nucleotide variant.
Coding change: c.644A>G on transcript NM_020949.3 (MANE Select); coding-DNA position 644, A replaced by G.
Protein change: p.Asn215Ser; replaces asparagine 215 with serine.
Molecular consequence: missense variant.
Genome position (GRCh38, 1-based): chr3:170,498,782, T>C on the plus strand (A>G on the coding strand, the complement: SLC7A14 is on the minus strand). VCF-style: chr3-170498782-T-C. GRCh37 (hg19) VCF-style: chr3-170216571-T-C.
Other names: short protein forms N215S.
Identifiers: ClinVar variation 1376321 (VCV001376321.8), dbSNP rs754183318, ClinGen allele CA355515210.

ClinVar aggregate classification (germline): Uncertain significance (1 of 4 stars; one submission).

Allele frequency attached by ClinVar (database versions not stated): TOPMed below 0.00001.
gnomAD v4.1: 1 of 1,614,172 alleles (0.000062%); highest among the groups gnomAD compares: Non-Finnish European, 0.000085%; no homozygotes.

Submission:

Labcorp Genetics (formerly Invitae), Labcorp
Classification: Uncertain significance. Last evaluated: 2024-02-23. Review status: criteria provided, single submitter. Criteria: Invitae Variant Classification Sherloc (09022015). Collection method: clinical testing. Allele origin: germline.
Comment: This sequence change replaces asparagine, which is neutral and polar, with serine, which is neutral and polar, at codon 215 of the SLC7A14 protein (p.Asn215Ser). This variant is not present in population databases (gnomAD no frequency). This variant has not been reported in the literature in individuals affected with SLC7A14-related conditions. ClinVar contains an entry for this variant (Variation ID: 1376321). An algorithm developed to predict the effect of missense changes on protein structure and function (PolyPhen-2) suggests that this variant is likely to be disruptive. In summary, the available evidence is currently insufficient to determine the role of this variant in disease. Therefore, it has been classified as a Variant of Uncertain Significance.